The following is an entry in ClinVar:

ClinVar aggregate classification (germline): Conflicting classifications of pathogenicity. Review status: criteria provided, conflicting classifications (1 of 4 stars). 2 submissions from 2 submitters: Uncertain significance (1); Likely benign (1). Last evaluated 2024-02-05.

gnomAD v4.1: 16 of 1,324,498 alleles (0.0012%); highest among the groups gnomAD compares: Non-Finnish European, 0.0013%; no homozygotes.

Submissions (2):

Labcorp Genetics (formerly Invitae), Labcorp
Classification: Likely benign. Last evaluated: 2024-02-05. Review status: criteria provided, single submitter. Criteria: Invitae Variant Classification Sherloc (09022015). Collection method: clinical testing. Allele origin: germline.

GeneDx
Classification: Uncertain significance. Last evaluated: 2019-05-24. Review status: criteria provided, single submitter. Criteria: GeneDx Variant Classification Process June 2021. Collection method: clinical testing. Allele origin: germline. Affected: yes.
Comment: In silico analysis, which includes protein predictors and evolutionary conservation, supports that this variant does not alter protein structure/function; Has not been previously published as pathogenic or benign to our knowledge

NM_006015.6(ARID1A):c.281C>T (p.Pro94Leu)

Gene: ARID1A (AT-rich interaction domain 1A; plus strand). Cytogenetic location: 1p36.11.
Variant type: single nucleotide variant.
Coding change: c.281C>T on transcript NM_006015.6 (MANE Select); coding-DNA position 281, C replaced by T.
Protein change: p.Pro94Leu; replaces proline 94 with leucine.
Molecular consequence: missense variant.
Genome position (GRCh38, 1-based): chr1:26,696,684, C>T. VCF-style: chr1-26696684-C-T. GRCh37 (hg19) VCF-style: chr1-27023175-C-T.
Other names: c.281C>T, p.Pro94Leu (NM_139135.4); short protein forms P94L.
Identifiers: ClinVar variation 1306086 (VCV001306086.9), dbSNP rs1314991058, ClinGen allele CA339264786.